The following is an entry in ClinVar:

ClinVar aggregate classification (germline): Uncertain significance. Review status: criteria provided, multiple submitters, no conflicts (2 of 4 stars). 2 submissions from 2 submitters: Uncertain significance (2). Last evaluated 2022-07-25.

Conditions:
Primary ciliary dyskinesia. Also called: Ciliary dyskinesia. Identifiers: Orphanet 244, MedGen C0008780, MONDO:0016575, HP:0012265.
Primary ciliary dyskinesia 3. Identifiers: Orphanet 244, MedGen C1837618, MONDO:0012085, OMIM 608644.

Allele frequency attached by ClinVar (database versions not stated): gnomAD exomes below 0.00001; TOPMed 0.00001.
gnomAD v4.1: 5 of 1,613,754 alleles (0.00031%); highest among the groups gnomAD compares: Middle Eastern, 0.016%; no homozygotes.

Submissions (2):

Labcorp Genetics (formerly Invitae), Labcorp
Classification: Uncertain significance for Primary ciliary dyskinesia. Last evaluated: 2022-07-25. Review status: criteria provided, single submitter. Criteria: Invitae Variant Classification Sherloc (09022015). Collection method: clinical testing. Allele origin: germline.
Comment: This sequence change replaces glutamine, which is neutral and polar, with lysine, which is basic and polar, at codon 2024 of the DNAH5 protein (p.Gln2024Lys). This variant is not present in population databases (gnomAD no frequency). This variant has not been reported in the literature in individuals affected with DNAH5-related conditions. ClinVar contains an entry for this variant (Variation ID: 904352). Advanced modeling of protein sequence and biophysical properties (such as structural, functional, and spatial information, amino acid conservation, physicochemical variation, residue mobility, and thermodynamic stability) performed at Invitae indicates that this missense variant is not expected to disrupt DNAH5 protein function. In summary, the available evidence is currently insufficient to determine the role of this variant in disease. Therefore, it has been classified as a Variant of Uncertain Significance.

Illumina Laboratory Services, Illumina
Classification: Uncertain significance for Primary ciliary dyskinesia 3. Last evaluated: 2018-01-12. Review status: criteria provided, single submitter. Criteria: ICSL Variant Classification Criteria 13 December 2019. Collection method: clinical testing. Allele origin: germline.

NM_001369.3(DNAH5):c.6070C>A (p.Gln2024Lys)

Gene: DNAH5 (dynein axonemal heavy chain 5; minus strand). Cytogenetic location: 5p15.2.
Variant type: single nucleotide variant.
Coding change: c.6070C>A on transcript NM_001369.3 (MANE Select); coding-DNA position 6070, C replaced by A.
Protein change: p.Gln2024Lys; replaces glutamine 2024 with lysine.
Molecular consequence: missense variant.
Genome position (GRCh38, 1-based): chr5:13,830,205, G>T on the plus strand (C>A on the coding strand, the complement: DNAH5 is on the minus strand). VCF-style: chr5-13830205-G-T. GRCh37 (hg19) VCF-style: chr5-13830314-G-T.
Other names: short protein forms Q2024K.
Identifiers: ClinVar variation 904352 (VCV000904352.9), dbSNP rs989184330, ClinGen allele CA113938158.